The following is an entry in ClinVar:

NM_033163.5(FGF8):c.271G>A (p.Gly91Arg)

Gene: FGF8 (fibroblast growth factor 8; minus strand). Cytogenetic location: 10q24.32.
Variant type: single nucleotide variant.
Coding change: c.271G>A on transcript NM_033163.5 (MANE Select); coding-DNA position 271, G replaced by A.
Protein change: p.Gly91Arg; replaces glycine 91 with arginine.
Molecular consequence: missense variant. On other transcripts: 5 prime UTR variant (1).
Genome position (GRCh38, 1-based): chr10:101,774,798, C>T on the plus strand (G>A on the coding strand, the complement: FGF8 is on the minus strand). VCF-style: chr10-101774798-C-T. GRCh37 (hg19) VCF-style: chr10-103534555-C-T.
Other names: c.-42G>A (NM_001206389.2); c.184G>A, p.Gly62Arg (NM_006119.6); c.238G>A, p.Gly80Arg (NM_033164.4); c.151G>A, p.Gly51Arg (NM_033165.5); short protein forms G51R, G62R, G80R, G91R.
Identifiers: ClinVar variation 3367957 (VCV003367957.2).

ClinVar aggregate classification (germline): Uncertain significance (1 of 4 stars; one submission).

Submission:

GeneDx
Classification: Uncertain significance. Last evaluated: 2026-09-28. Review status: criteria provided, single submitter. Criteria: GeneDx Variant Classification Process June 2021. Collection method: clinical testing. Allele origin: germline.
Comment: Not observed at significant frequency in large population cohorts (gnomAD); In silico analysis supports that this missense variant has a deleterious effect on protein structure/function; Has not been previously published as pathogenic or benign to our knowledge